The following is an entry in ClinVar:

ClinVar aggregate classification (germline): Uncertain significance (1 of 4 stars; one submission).

Conditions:
Familial hypocalciuric hypercalcemia (FHH). Also called: Familial benign hypercalcemia. Identifiers: Orphanet 405, MedGen C1809471, MONDO:0018458.
Autosomal dominant hypocalcemia 1 (HYPOC1). Also called: HYPOCALCEMIA, FAMILIAL. Identifiers: MedGen C3715128, MONDO:0011013, OMIM 601198.

Submission:

Labcorp Genetics (formerly Invitae), Labcorp
Classification: Uncertain significance for Familial hypocalciuric hypercalcemia; Autosomal dominant hypocalcemia 1. Last evaluated: 2025-04-07. Review status: criteria provided, single submitter. Criteria: Invitae Variant Classification Sherloc (09022015). Collection method: clinical testing. Allele origin: germline.
Comment: This sequence change replaces glutamine, which is neutral and polar, with proline, which is neutral and non-polar, at codon 932 of the CASR protein (p.Gln932Pro). This variant is not present in population databases (gnomAD no frequency). This variant has not been reported in the literature in individuals affected with CASR-related conditions. ClinVar contains an entry for this variant (Variation ID: 1977089). An algorithm developed to predict the effect of missense changes on protein structure and function outputs the following: PolyPhen-2: "Benign". The proline amino acid residue is found in multiple mammalian species, which suggests that this missense change does not adversely affect protein function. In summary, the available evidence is currently insufficient to determine the role of this variant in disease. Therefore, it has been classified as a Variant of Uncertain Significance.

NM_000388.4(CASR):c.2795A>C (p.Gln932Pro)

Gene: CASR (calcium sensing receptor; plus strand). Cytogenetic location: 3q21.1.
Variant type: single nucleotide variant.
Coding change: c.2795A>C on transcript NM_000388.4 (MANE Select); coding-DNA position 2795, A replaced by C.
Protein change: p.Gln932Pro; replaces glutamine 932 with proline.
Molecular consequence: missense variant.
Genome position (GRCh38, 1-based): chr3:122,284,749, A>C. VCF-style: chr3-122284749-A-C. GRCh37 (hg19) VCF-style: chr3-122003596-A-C.
Other names: c.2825A>C, p.Gln942Pro (NM_001178065.2); short protein forms Q932P, Q942P.
Identifiers: ClinVar variation 1977089 (VCV001977089.5), dbSNP rs2473281991, ClinGen allele CA354160786.
Genomic context (GRCh38, chr3:122,284,749, plus strand): 5'-CCTCCATCAGCAGCAAGAGCAACAGCGAAGACCCATTCCCACAGCCCGAGAGGCAGAAGC[A>C]GCAGCAGCCGCTGGCCCTAACCCAGCAAGAGCAGCAGCAGCAGCCCCTGACCCTCCCACA-3'
Protein context (NP_000379.3, residues 922-942): DPFPQPERQK[Gln932Pro]QQPLALTQQE